The following is an entry in ClinVar:

NM_000094.4(COL7A1):c.6007G>C (p.Gly2003Arg)

Gene: COL7A1 (collagen type VII alpha 1 chain; minus strand). Cytogenetic location: 3p21.31.
Variant type: single nucleotide variant.
Coding change: c.6007G>C on transcript NM_000094.4 (MANE Select); coding-DNA position 6007, G replaced by C.
Protein change: p.Gly2003Arg; replaces glycine 2003 with arginine.
Molecular consequence: missense variant.
Genome position (GRCh38, 1-based): chr3:48,575,512, C>G on the plus strand (G>C on the coding strand, the complement: COL7A1 is on the minus strand). VCF-style: chr3-48575512-C-G. GRCh37 (hg19) VCF-style: chr3-48612945-C-G.
Other names: short protein forms G2003R.
Identifiers: ClinVar variation 3635675 (VCV003635675.2).

ClinVar aggregate classification (germline): Pathogenic (1 of 4 stars; one submission).

Submission:

Labcorp Genetics (formerly Invitae), Labcorp
Classification: Pathogenic. Last evaluated: 2024-04-10. Review status: criteria provided, single submitter. Criteria: Invitae Variant Classification Sherloc (09022015). Collection method: clinical testing. Allele origin: germline.
Comment: This sequence change replaces glycine, which is neutral and non-polar, with arginine, which is basic and polar, at codon 2003 of the COL7A1 protein (p.Gly2003Arg). This variant is not present in population databases (gnomAD no frequency). A different variant (c.6007G>A) giving rise to the same protein effect has been determined to be pathogenic (PMID: 8752681). This suggests that this variant is also likely to be causative of disease. Advanced modeling of protein sequence and biophysical properties (such as structural, functional, and spatial information, amino acid conservation, physicochemical variation, residue mobility, and thermodynamic stability) performed at Invitae indicates that this missense variant is expected to disrupt COL7A1 protein function with a positive predictive value of 95%. This variant disrupts the triple helix domain of COL7A1. Glycine residues within the Gly-Xaa-Yaa repeats of the triple helix domain are required for the structure and stability of fibrillar collagens (PMID: 7695699, 8218237, 19344236), and variants at these glycine residues in COL7A1 are more frequently observed in individuals with disease than in the general population (PMID: 22058051). However, the clinical significance of this observation remains uncertain since only a limited number of affected individuals have been described to date. For these reasons, this variant has been classified as Pathogenic.

Literature cited by the submitters: PubMed 8752681; PubMed 7695699; PubMed 8218237; PubMed 19344236; PubMed 22058051.